The following is an entry in ClinVar:

NM_015335.5(MED13L):c.3866C>T (p.Pro1289Leu)

Gene: MED13L (mediator complex subunit 13L; minus strand). Cytogenetic location: 12q24.21.
Variant type: single nucleotide variant.
Coding change: c.3866C>T on transcript NM_015335.5 (MANE Select); coding-DNA position 3866, C replaced by T.
Protein change: p.Pro1289Leu; replaces proline 1289 with leucine.
Molecular consequence: missense variant.
Genome position (GRCh38, 1-based): chr12:115,991,088, G>A on the plus strand (C>T on the coding strand, the complement: MED13L is on the minus strand). VCF-style: chr12-115991088-G-A. GRCh37 (hg19) VCF-style: chr12-116428893-G-A.
Other names: short protein forms P1289L.
Identifiers: ClinVar variation 464491 (VCV000464491.41), dbSNP rs200187663, ClinGen allele CA6810925.

ClinVar aggregate classification (germline): Conflicting classifications of pathogenicity. Review status: criteria provided, conflicting classifications (1 of 4 stars). 7 submissions from 7 submitters: Uncertain significance (2); Likely benign (4). 1 of the submissions does not count toward it. Last evaluated 2025-10-14.

Conditions:
MED13L-related disorder. Also called: MED13L-related condition.
Dextro-looped transposition of the great arteries. Also called: Dextrotransposition of the great arteries. Identifiers: Orphanet 860, MedGen C3531771, MONDO:0019443, OMIM 608808, HP:0031348.
Inborn genetic diseases. Identifiers: MedGen C0950123, MeSH D030342.

Allele frequency attached by ClinVar (database versions not stated): ESP Exome Variant Server 0.00015; ExAC 0.00018; gnomAD 0.00020 and 0.00023; gnomAD exomes 0.00020 and 0.00021; TOPMed 0.00033.
gnomAD v4.1: 350 of 1,614,150 alleles (0.022%); highest among the groups gnomAD compares: Admixed American, 0.04%; no homozygotes.

Submissions (7):

Labcorp Genetics (formerly Invitae), Labcorp
Classification: Likely benign for Dextro-looped transposition of the great arteries. Last evaluated: 2025-10-14. Review status: criteria provided, single submitter. Criteria: Invitae Variant Classification Sherloc (09022015). Collection method: clinical testing. Allele origin: germline.

CeGaT Center for Human Genetics Tuebingen
Classification: Likely benign. Last evaluated: 2025-10-01. Review status: criteria provided, single submitter. Criteria: CeGaT Center For Human Genetics Tuebingen Variant Classification Criteria Version 2. Collection method: clinical testing. Allele origin: germline. Affected: yes. Observed: 3 variant alleles.
Comment: MED13L: PP2, BS2

Ambry Genetics
Classification: Likely benign for Inborn genetic diseases. Last evaluated: 2022-07-31. Review status: criteria provided, single submitter. Criteria: Ambry Variant Classification Scheme 2023. Collection method: clinical testing. Allele origin: germline.

Laboratorio de Genetica e Diagnostico Molecular, Hospital Israelita Albert Einstein
Classification: Uncertain significance. Last evaluated: 2021-02-01. Review status: criteria provided, single submitter. Criteria: ACMG Guidelines, 2015. Collection method: clinical testing. Allele origin: germline. Affected: yes.
Comment: ACMG classification criteria: BP4

GeneDx
Classification: Likely benign. Last evaluated: 2020-09-02. Review status: criteria provided, single submitter. Criteria: GeneDx Variant Classification Process June 2021. Collection method: clinical testing. Allele origin: germline. Affected: yes.

Eurofins Ntd Llc (ga)
Classification: Uncertain significance. Last evaluated: 2017-02-21. Review status: criteria provided, single submitter. Criteria: EGL Classification Definitions 2015. Collection method: clinical testing. Allele origin: germline. Observed: 2 variant alleles, 2 heterozygotes.

PreventionGenetics, part of Exact Sciences
Classification: Likely benign for MED13L-related condition. Last evaluated: 2022-09-07. Review status: no assertion criteria provided. Collection method: clinical testing. Allele origin: germline. Not counted in ClinVar's aggregate classification.
Comment: This variant is classified as likely benign based on ACMG/AMP sequence variant interpretation guidelines (Richards et al. 2015 PMID: 25741868, with internal and published modifications).